The following is an entry in ClinVar:

ClinVar aggregate classification (germline): Conflicting classifications of pathogenicity. Review status: criteria provided, conflicting classifications (1 of 4 stars). 3 submissions from 3 submitters: Pathogenic (2); Uncertain significance (1). Last evaluated 2026-03-13.

Conditions:
Retinal dystrophy. Also called: Inherited retinal dystrophy. Identifiers: Orphanet 71862, MedGen C0854723, MeSH D058499, MONDO:0019118, HP:0000556.
Retinitis pigmentosa 25 (RP25). Identifiers: Orphanet 791, MedGen C1864446, MONDO:0011272, OMIM 602772.

Submissions (3):

Myriad Genetics, Inc.
Classification: Pathogenic for Retinitis pigmentosa 25. Last evaluated: 2026-03-13. Review status: criteria provided, single submitter. Criteria: Myriad Autosomal Dominant, Autosomal Recessive and X-Linked Classification Criteria (2023). Collection method: clinical testing. Allele origin: unknown.
Comment: NM_001142800.1(EYS):c.8268_8272del5(V2757Tfs*53) is a frameshift variant classified as pathogenic in the context of retinitis pigmentosa, EYS-related. V2757Tfs*53 has been observed in cases with relevant disease (PMID: 33247286, 31213501). Relevant functional assessments of this variant are not available in the literature. V2757Tfs*53 has been observed in referenced population frequency databases. In summary, NM_001142800.1(EYS):c.8268_8272del5(V2757Tfs*53) is a frameshift variant in a gene where loss of function is a known mechanism of disease, is predicted to disrupt protein function, and has been observed more frequently in cases with the relevant disease than in healthy populations. Please note: this variant was assessed in the context of healthy population screening.

Dept Of Ophthalmology, Nagoya University
Classification: Uncertain significance for Retinal dystrophy. Last evaluated: 2023-10-01. Review status: criteria provided, single submitter. Criteria: Submitter's publication. Collection method: research. Allele origin: germline. Affected: yes.

Labcorp Genetics (formerly Invitae), Labcorp
Classification: Pathogenic. Last evaluated: 2022-02-04. Review status: criteria provided, single submitter. Criteria: Invitae Variant Classification Sherloc (09022015). Collection method: clinical testing. Allele origin: germline.
Comment: For these reasons, this variant has been classified as Pathogenic. This variant disrupts a region of the EYS protein in which other variant(s) (p.Tyr2935*) have been determined to be pathogenic (PMID: 22363543, 24652164, 28763560). This suggests that this is a clinically significant region of the protein, and that variants that disrupt it are likely to be disease-causing. ClinVar contains an entry for this variant (Variation ID: 1070328). This variant has not been reported in the literature in individuals affected with EYS-related conditions. This variant is present in population databases (no rsID available, gnomAD 0.004%). This sequence change creates a premature translational stop signal (p.Val2757Thrfs*53) in the EYS gene. While this is not anticipated to result in nonsense mediated decay, it is expected to disrupt the last 388 amino acid(s) of the EYS protein.

Literature cited by the submitters: PubMed 31213501 (cited by Myriad Genetics, Inc.); PubMed 33247286 (cited by Myriad Genetics, Inc.); PubMed 22363543 (cited by Labcorp Genetics (formerly Invitae), Labcorp); PubMed 24652164 (cited by Labcorp Genetics (formerly Invitae), Labcorp); PubMed 28763560 (cited by Labcorp Genetics (formerly Invitae), Labcorp).

NM_001142800.2(EYS):c.8268_8272del (p.Val2757fs)

Genes: EYS (EGF-like photoreceptor maintenance factor; minus strand), PHF3 (PHD finger protein 3; plus strand). Cytogenetic location: 6q12.
Variant type: Deletion.
Coding change: c.8268_8272del on transcript NM_001142800.2 (MANE Select); coding-DNA positions 8268 to 8272, 5 bases deleted (CGTTC; older notation c.8268_8272delCGTTC).
Protein change: p.Val2757fs; shifts the reading frame from valine 2757.
Molecular consequence: frameshift variant. On other transcripts: 3 prime UTR variant (5).
Genome position (GRCh38, 1-based): chr6:63,721,759-63,721,763, GAACG deleted on the plus strand (CGTTC on the coding strand, the reverse complement: EYS is on the minus strand); deleting any 5 consecutive bases within chr6:63,721,759-63,721,767 gives the same sequence; the c. name uses the placement nearest the transcript's 3' end. VCF-style (leftmost placement, unchanged base first): chr6-63721758-TGAACG-T. GRCh37 (hg19) VCF-style: chr6-64431654-TGAACG-T.
Other names: c.*8055_*8059del (NM_001290259.2, NM_001370348.2, NM_001370349.2 and 2 more transcripts); c.8331_8335del, p.Val2778fs (NM_001292009.2); c.8268_8272delCGTTC (NM_001142800.2); short protein forms V2757fs, V2778fs.
Identifiers: ClinVar variation 1070328 (VCV001070328.11), dbSNP rs1456047165, ClinGen allele CA568119005.